The following is an entry in ClinVar:

ClinVar aggregate classification (germline): Conflicting classifications of pathogenicity. Review status: criteria provided, conflicting classifications (1 of 4 stars). 10 submissions from 8 submitters: Uncertain significance (6); Likely benign (3). 1 of the submissions does not count toward it. Last evaluated 2026-01-21.

Conditions:
Nephronophthisis. Also called: Juvenile Nephronophthisis. Identifiers: Orphanet 655, MedGen C0687120, MONDO:0019005, HP:0000090.
Senior-Loken syndrome 1 (SLSN1). Also called: JUVENILE NEPHRONOPHTHISIS WITH LEBER AMAUROSIS. Identifiers: Orphanet 3156, MedGen C4551559, MONDO:0009962, OMIM 266900.
Joubert syndrome with renal defect. Also called: JOUBERT SYNDROME 4. Identifiers: Orphanet 220497, MedGen C1846790, MONDO:0012308, OMIM 609583.
Nephronophthisis 1 (NPHP1). Also called: Nephronophthisis familial juvenile. Identifiers: Orphanet 655, Orphanet 93592, MedGen C1855681, MONDO:0009728, OMIM 256100.
NPHP1-related disorder. Also called: NPHP1-related condition; NPHP1-related disorders.
Inborn genetic diseases. Identifiers: MedGen C0950123, MeSH D030342.

Allele frequency attached by ClinVar (database versions not stated): gnomAD exomes 0.00008 and 0.00023; ExAC 0.00027; 1000 Genomes Project 30x 0.00031; 1000 Genomes Project 0.00040; ESP Exome Variant Server 0.00069; gnomAD 0.00078 and 0.00088; TOPMed 0.00105.
gnomAD v4.1: 233 of 1,592,154 alleles (0.015%); highest among the groups gnomAD compares: African/African-American, 0.28%; 4 homozygotes.

Submissions (10):

Labcorp Genetics (formerly Invitae), Labcorp
Classification: Likely benign for Nephronophthisis. Last evaluated: 2026-01-21. Review status: criteria provided, single submitter. Criteria: Invitae Variant Classification Sherloc (09022015). Collection method: clinical testing. Allele origin: germline.

Ambry Genetics
Classification: Likely benign for Inborn genetic diseases. Last evaluated: 2025-10-01. Review status: criteria provided, single submitter. Criteria: Ambry Variant Classification Scheme 2023. Collection method: clinical testing. Allele origin: germline.

GeneDx
Classification: Uncertain significance. Last evaluated: 2024-11-26. Review status: criteria provided, single submitter. Criteria: GeneDx Variant Classification Process June 2021. Collection method: clinical testing. Allele origin: germline. Affected: yes.
Comment: In silico analysis supports that this missense variant has a deleterious effect on protein structure/function; Has not been previously published as pathogenic or benign to our knowledge

Blueprint Genetics
Classification: Likely benign. Last evaluated: 2023-03-09. Review status: criteria provided, single submitter. Criteria: ACMG Guidelines, 2015. Collection method: clinical testing. Allele origin: germline.

Baylor Genetics
Classification: Uncertain significance for Joubert syndrome with renal defect. Last evaluated: 2020-09-19. Review status: criteria provided, single submitter. Criteria: ACMG Guidelines, 2015. Collection method: clinical testing. Allele origin: unknown. Affected: yes.
Comment: This variant was determined to be of uncertain significance according to ACMG Guidelines, 2015 [PMID:25741868]. The c.1756C>T (p.R586*) variant has been previously reported as disease-causing in multiple patients [PMID 10620543, 17855640, 27806791, 25525159]

Eurofins Ntd Llc (ga)
Classification: Uncertain significance. Last evaluated: 2018-08-30. Review status: criteria provided, single submitter. Criteria: EGL ClinVar v180209 classification definitions. Collection method: clinical testing. Allele origin: germline. Observed: 3 variant alleles, 3 heterozygotes.

Illumina Laboratory Services, Illumina
Classification: Uncertain significance for Senior-Loken syndrome 1. Last evaluated: 2018-01-13. Review status: criteria provided, single submitter. Criteria: ICSL Variant Classification Criteria 13 December 2019. Collection method: clinical testing. Allele origin: germline.

Illumina Laboratory Services, Illumina
Classification: Uncertain significance for Joubert syndrome with renal defect. Last evaluated: 2018-01-13. Review status: criteria provided, single submitter. Criteria: ICSL Variant Classification Criteria 13 December 2019. Collection method: clinical testing. Allele origin: germline.

Illumina Laboratory Services, Illumina
Classification: Uncertain significance for Nephronophthisis 1. Last evaluated: 2018-01-13. Review status: criteria provided, single submitter. Criteria: ICSL Variant Classification Criteria 13 December 2019. Collection method: clinical testing. Allele origin: germline.

PreventionGenetics, part of Exact Sciences
Classification: Likely benign for NPHP1-related condition. Last evaluated: 2022-02-10. Review status: no assertion criteria provided. Collection method: clinical testing. Allele origin: germline. Not counted in ClinVar's aggregate classification.
Comment: This variant is classified as likely benign based on ACMG/AMP sequence variant interpretation guidelines (Richards et al. 2015 PMID: 25741868, with internal and published modifications).

Literature cited by the submitters: PubMed 10620543 (cited by Baylor Genetics); PubMed 17855640 (cited by Baylor Genetics); PubMed 27806791 (cited by Baylor Genetics); PubMed 25525159 (cited by Baylor Genetics).

NM_001128178.3(NPHP1):c.953C>T (p.Thr318Ile)

Gene: NPHP1 (nephrocystin 1; minus strand). Cytogenetic location: 2q13.
Variant type: single nucleotide variant.
Coding change: c.953C>T on transcript NM_001128178.3 (MANE Select); coding-DNA position 953, C replaced by T.
Protein change: p.Thr318Ile; replaces threonine 318 with isoleucine.
Molecular consequence: missense variant.
Genome position (GRCh38, 1-based): chr2:110,161,604, G>A on the plus strand (C>T on the coding strand, the complement: NPHP1 is on the minus strand). VCF-style: chr2-110161604-G-A. GRCh37 (hg19) VCF-style: chr2-110919181-G-A.
Other names: c.1121C>T, p.Thr374Ile (NM_000272.5); c.764C>T, p.Thr255Ile (NM_001128179.3); c.950C>T, p.Thr317Ile (NM_001374256.1); c.953C>T, p.Thr318Ile (NM_001374257.1); c.1118C>T, p.Thr373Ile (NM_207181.4); short protein forms T374I, T255I, T318I, T373I, T317I.
Identifiers: ClinVar variation 287345 (VCV000287345.26), dbSNP rs140469160, ClinGen allele CA1827170.